The following is an entry in ClinVar:

ClinVar aggregate classification (germline): Uncertain significance (1 of 4 stars; one submission).

Allele frequency attached by ClinVar (database versions not stated): gnomAD exomes below 0.00001 and 0.00001; ExAC 0.00001.
gnomAD v4.1: 4 of 1,613,238 alleles (0.00025%); highest among the groups gnomAD compares: South Asian, 0.0033%; no homozygotes.

Submission:

Labcorp Genetics (formerly Invitae), Labcorp
Classification: Uncertain significance. Last evaluated: 2020-06-03. Review status: criteria provided, single submitter. Criteria: Invitae Variant Classification Sherloc (09022015). Collection method: clinical testing. Allele origin: germline.
Comment: This sequence change replaces tyrosine with cysteine at codon 170 of the MOCS2B protein (p.Tyr170Cys). The tyrosine residue is highly conserved and there is a large physicochemical difference between tyrosine and cysteine. This variant is present in population databases (rs755284842, ExAC 0.006%). This variant has not been reported in the literature in individuals with MOCS2B-related conditions. Algorithms developed to predict the effect of missense changes on protein structure and function (SIFT, PolyPhen-2, Align-GVGD) all suggest that this variant is likely to be disruptive, but these predictions have not been confirmed by published functional studies and their clinical significance is uncertain. In summary, the available evidence is currently insufficient to determine the role of this variant in disease. Therefore, it has been classified as a Variant of Uncertain Significance.

NM_004531.5(MOCS2):c.509A>G (p.Tyr170Cys)

Gene: MOCS2 (molybdenum cofactor synthesis 2; minus strand). Cytogenetic location: 5q11.2.
Variant type: single nucleotide variant.
Coding change: c.509A>G on transcript NM_004531.5 (MANE Select); coding-DNA position 509, A replaced by G.
Protein change: p.Tyr170Cys; replaces tyrosine 170 with cysteine.
Molecular consequence: missense variant. On other transcripts: 3 prime UTR variant (1).
Genome position (GRCh38, 1-based): chr5:53,098,660, T>C on the plus strand (A>G on the coding strand, the complement: MOCS2 is on the minus strand). VCF-style: chr5-53098660-T-C. GRCh37 (hg19) VCF-style: chr5-52394490-T-C.
Other names: c.*429A>G (NM_176806.4); short protein forms Y170C.
Identifiers: ClinVar variation 1056219 (VCV001056219.9), dbSNP rs755284842, ClinGen allele CA3263587.